The following is an entry in ClinVar:

NM_000235.4(LIPA):c.1024G>A (p.Gly342Arg)

Gene: LIPA (lipase A, lysosomal acid type; minus strand). Cytogenetic location: 10q23.31.
Variant type: single nucleotide variant.
Coding change: c.1024G>A on transcript NM_000235.4 (MANE Select); coding-DNA position 1024, G replaced by A.
Protein change: p.Gly342Arg; replaces glycine 342 with arginine.
Molecular consequence: missense variant.
Genome position (GRCh38, 1-based): chr10:89,215,004, C>T on the plus strand (G>A on the coding strand, the complement: LIPA is on the minus strand). VCF-style: chr10-89215004-C-T. GRCh37 (hg19) VCF-style: chr10-90974761-C-T.
Other names: c.1024G>A, p.Gly342Arg (NM_001127605.3); c.676G>A, p.Gly226Arg (NM_001288979.2); short protein forms G342R, G226R.
Identifiers: ClinVar variation 555337 (VCV000555337.16), dbSNP rs776472526, ClinGen allele CA5593529.
Genomic context (GRCh38, chr10:89,215,004, plus strand): 5'-TGGTGATCTGAGTCAGTAAGATATTGACGTCGTAGACATCTGCAAGCCAGTCGTGACCCC[C>T]GCTCCAGACTGCAGTCGGCACAAGCATGTCCTTCACATTGTATGTGGGAGGATAACTCTA-3'
Protein context (NP_000226.2, residues 332-352): DMLVPTAVWS[Gly342Arg]GHDWLADVYD

ClinVar aggregate classification (germline): Pathogenic. Review status: criteria provided, multiple submitters, no conflicts (2 of 4 stars). 3 submissions from 3 submitters: Pathogenic (2). 1 of the submissions does not count toward it. Last evaluated 2025-08-07.

Conditions:
Cholesteryl ester storage disease (CESD). Also called: Childhood/Adult-Onset LAL-D (Cholesterol Ester Storage Disease [CESD]). Identifiers: Orphanet 75234, MedGen C0008384, MONDO:0019149, OMIM 278000.
Lysosomal acid lipase deficiency. Also called: Acid cholesteryl ester hydrolase deficiency, type 2. Identifiers: Orphanet 275761, MedGen C5574740, MONDO:0800449, MONDO:0010204.
Wolman disease (WOLD). Also called: Wolman disease, CESD; LYSOSOMAL ACID LIPASE DEFICIENCY, ACUTE INFANTILE; LYSOSOMAL ACID LIPASE DEFICIENCY, COMPLETE; LIPA DEFICIENCY, COMPLETE; LAL DEFICIENCY, COMPLETE; CHOLESTEROL ESTER HYDROLASE DEFICIENCY, COMPLETE. Identifiers: Orphanet 75233, MedGen C0043208, MONDO:0019148, OMIM 620151.

Allele frequency attached by ClinVar (database versions not stated): ExAC 0.00001; gnomAD 0.00004 and 0.00003; TOPMed 0.00003; gnomAD exomes 0.00001.
gnomAD v4.1: 13 of 1,614,010 alleles (0.00081%); highest among the groups gnomAD compares: African/African-American, 0.0053%; no homozygotes.

Submissions (3):

Natera, Inc.
Classification: Pathogenic for Lysosomal acid lipase deficiency. Last evaluated: 2025-08-07. Review status: criteria provided, single submitter. Criteria: Natera Variant Classification Schema (03/2026). Collection method: clinical testing. Allele origin: germline.
Comment: The c.1024G>A variant in LIPA is a missense variant predicted to cause substitution of glycine to arginine at amino acid 342. This variant is rare in the general population with a frequency below the threshold expected for the associated phenotype(s). This variant has been observed in one or more individuals affected with the associated recessive disease, as either homozygous or compound heterozygous with a second variant (PMID: 22227072, 31182375, 28881270, 24048164, 10562460). Functional studies show that this variant may disrupt protein function (PMID: 29196158). Computational prediction algorithms indicate this variant is likely to affect gene or protein function. Given the available evidence, this variant is classified as Pathogenic.

Labcorp Genetics (formerly Invitae), Labcorp
Classification: Pathogenic for Wolman disease. Last evaluated: 2023-09-23. Review status: criteria provided, single submitter. Criteria: Invitae Variant Classification Sherloc (09022015). Collection method: clinical testing. Allele origin: germline.
Comment: This sequence change replaces glycine, which is neutral and non-polar, with arginine, which is basic and polar, at codon 342 of the LIPA protein (p.Gly342Arg). This variant is present in population databases (rs776472526, gnomAD 0.003%). This missense change has been observed in individuals with LIPA-related conditions (PMID: 10562460, 23485521, 24048164, 28881270). ClinVar contains an entry for this variant (Variation ID: 555337). Advanced modeling of protein sequence and biophysical properties (such as structural, functional, and spatial information, amino acid conservation, physicochemical variation, residue mobility, and thermodynamic stability) performed at Invitae indicates that this missense variant is expected to disrupt LIPA protein function. Experimental studies have shown that this missense change affects LIPA function (PMID: 10562460). This variant disrupts the p.Gly342 amino acid residue in LIPA. Other variant(s) that disrupt this residue have been observed in individuals with LIPA-related conditions (PMID: 9925650), which suggests that this may be a clinically significant amino acid residue. For these reasons, this variant has been classified as Pathogenic.

Counsyl
Classification: Likely pathogenic for Cholesteryl ester storage disease. Last evaluated: 2017-12-01. Review status: no assertion criteria provided. Collection method: clinical testing. Allele origin: unknown. Not counted in ClinVar's aggregate classification.

Literature cited by the submitters: PubMed 22227072 (cited by Natera, Inc. and Counsyl); PubMed 31182375 (cited by Natera, Inc.); PubMed 28881270 (cited by Natera, Inc. and Labcorp Genetics (formerly Invitae), Labcorp); PubMed 24048164 (cited by 3 submitters); PubMed 10562460 (cited by 3 submitters); PubMed 29196158 (cited by Natera, Inc.); PubMed 23485521 (cited by Labcorp Genetics (formerly Invitae), Labcorp); PubMed 9925650 (cited by Labcorp Genetics (formerly Invitae), Labcorp).